The following is an entry in ClinVar:

ClinVar aggregate classification (germline): Uncertain significance. Review status: criteria provided, multiple submitters, no conflicts (2 of 4 stars). 9 submissions from 9 submitters: Uncertain significance (9). Last evaluated 2026-08-01.

Conditions:
Hereditary cancer-predisposing syndrome. Also called: Hereditary neoplastic syndrome; Tumor predisposition; Neoplastic Syndromes, Hereditary; Hereditary Cancer Syndrome. Identifiers: Orphanet 140162, MedGen C0027672, MeSH D009386, MONDO:0015356.
Fanconi anemia complementation group J. Also called: BRIP1-Related Fanconi Anemia. Identifiers: Orphanet 84, MedGen C1836860, MONDO:0012187, OMIM 609054.
Familial cancer of breast. Also called: hereditary breast carcinoma; Hereditary breast cancer; BREAST CANCER, FAMILIAL. Identifiers: Orphanet 227535, MedGen C0346153, MONDO:0016419, OMIM 114480. Disease mechanism: loss of function.
Hereditary breast ovarian cancer syndrome. Also called: Breast and ovarian cancer; Hereditary breast and/or ovarian cancer syndrome; BRCA1- and BRCA2-Associated Hereditary Breast and Ovarian Cancer; Hereditary breast and ovarian cancer; Hereditary breast and ovarian cancer syndrome; Hereditary breast and ovarian cancer syndrome (HBOC). Identifiers: Orphanet 145, MedGen C0677776, MeSH D061325, MONDO:0003582. Disease mechanism: loss of function.

Allele frequency attached by ClinVar (database versions not stated): TOPMed 0.00001.

Submissions (9):

CeGaT Center for Human Genetics Tuebingen
Classification: Uncertain significance. Last evaluated: 2026-08-01. Review status: criteria provided, single submitter. Criteria: CeGaT Center For Human Genetics Tuebingen Variant Classification Criteria Version 2. Collection method: clinical testing. Allele origin: germline. Affected: yes. Observed: 1 variant allele.
Comment: BRIP1: PM2:Supporting, PS3:Supporting, PS4:Supporting, BP1

Labcorp Genetics (formerly Invitae), Labcorp
Classification: Uncertain significance for Familial cancer of breast; Fanconi anemia complementation group J. Last evaluated: 2026-01-02. Review status: criteria provided, single submitter. Criteria: Invitae Variant Classification Sherloc (09022015). Collection method: clinical testing. Allele origin: germline.
Comment: This sequence change replaces arginine, which is basic and polar, with cysteine, which is neutral and slightly polar, at codon 777 of the BRIP1 protein (p.Arg777Cys). This variant is present in population databases (rs768555161, gnomAD 0.003%). This missense change has been observed in individual(s) with breast cancer, Fanconi anemia (PMID: 31822495, 34585473). ClinVar contains an entry for this variant (Variation ID: 185165). Invitae Evidence Modeling of protein sequence and biophysical properties (such as structural, functional, and spatial information, amino acid conservation, physicochemical variation, residue mobility, and thermodynamic stability) indicates that this missense variant is expected to disrupt BRIP1 protein function with a positive predictive value of 95%. Experimental studies have shown that this missense change affects BRIP1 function (PMID: 31822495). In summary, the available evidence is currently insufficient to determine the role of this variant in disease. Therefore, it has been classified as a Variant of Uncertain Significance.

Color Diagnostics, LLC DBA Color Health
Classification: Uncertain significance for Hereditary cancer-predisposing syndrome. Last evaluated: 2025-09-30. Review status: criteria provided, single submitter. Criteria: ACMG Guidelines, 2015. Collection method: clinical testing. Allele origin: germline.
Comment: This missense variant replaces arginine with cysteine at codon 777 of the BRIP1 protein. Computational prediction suggests that this variant may have deleterious impact on protein structure and function. Functional studies have shown that this variant disrupted protein's ability to repair inter-strand crosslinks (ICLs) damage. This variant has been reported in individuals affected with breast cancer (PMID: 31822495, 33471991). This variant has been identified in 3/251302 chromosomes in the general population by the Genome Aggregation Database (gnomAD). The available evidence is insufficient to determine the role of this variant in disease conclusively. Therefore, this variant is classified as a Variant of Uncertain Significance.

Ambry Genetics
Classification: Uncertain significance for Hereditary cancer-predisposing syndrome. Last evaluated: 2025-06-11. Review status: criteria provided, single submitter. Criteria: Ambry Variant Classification Scheme 2023. Collection method: clinical testing. Allele origin: germline.
Comment: The p.R777C variant (also known as c.2329C>T), located in coding exon 15 of the BRIP1 gene, results from a C to T substitution at nucleotide position 2329. The arginine at codon 777 is replaced by cysteine, an amino acid with highly dissimilar properties. In one study, the p.R777C alteration was detected in 1/101,759 breast cancer cases and 0/15,587 ovarian cancer cases, and in an inter-strand cross link damage survival assay, the p.R777C alteration was found to be functionally abnormal (Moyer CL et al. Cancer Res. 2020 Feb;80:857-867). This alteration was identified in an individual diagnosed with Fanconi anemia (George M et al. Hum Mutat, 2021 Dec;42:1648-1665). This amino acid position is highly conserved in available vertebrate species. In addition, this alteration is predicted to be deleterious by in silico analysis. Based on the available evidence, the clinical significance of this variant remains unclear.

Center for Genomic Medicine, Rigshospitalet, Copenhagen University Hospital
Classification: Uncertain significance. Last evaluated: 2025-03-04. Review status: criteria provided, single submitter. Criteria: ACMG Guidelines, 2015. Collection method: clinical testing. Allele origin: germline.

German Consortium for Hereditary Breast and Ovarian Cancer, University Hospital Cologne
Classification: Uncertain significance for Hereditary breast ovarian cancer syndrome. Last evaluated: 2024-10-08. Review status: criteria provided, single submitter. Criteria: ACMG Guidelines, 2015. Collection method: curation. Allele origin: germline.
Comment: According to the ACMG SVI adaptation criteria we chose these criteria: PS3 (medium pathogenic): Moyer et al. damaging /reduced protein stability (number of controls to low for strong), PM2 (supporting pathogenic): gnomAD v.3.1.2 (non-cancer): 0 , PP3 (medium pathogenic): laut Pejaver: PP3-mod

Baylor Genetics
Classification: Uncertain significance for Familial cancer of breast. Last evaluated: 2024-03-25. Review status: criteria provided, single submitter. Criteria: ACMG Guidelines, 2015. Collection method: clinical testing. Allele origin: unknown.

Quest Diagnostics Nichols Institute San Juan Capistrano
Classification: Uncertain significance. Last evaluated: 2023-07-06. Review status: criteria provided, single submitter. Criteria: Quest Diagnostics criteria. Collection method: clinical testing. Allele origin: unknown.
Comment: In the published literature, this variant has been reported in individuals with breast cancer (PMID: 33471991 (2021), 31822495 (2020), see also LOVD). This variant has been reported to have a deleterious effect on BRIP1 protein function, however further studies are required to validate this finding (PMID: 31822495 (2020)). The frequency of this variant in the general population, 0.000012 (3/251302 chromosomes (Genome Aggregation Database)), is uninformative in the assessment of its pathogenicity. Analysis of this variant using bioinformatics tools for the prediction of the effect of amino acid changes on protein structure and function yielded predictions that this variant is damaging. Based on the available information, we are unable to determine the clinical significance of this variant.

GeneDx
Classification: Uncertain significance. Last evaluated: 2021-12-17. Review status: criteria provided, single submitter. Criteria: GeneDx Variant Classification Process June 2021. Collection method: clinical testing. Allele origin: germline. Affected: yes.
Comment: Observed in individuals with breast or ovarian cancer (Moyer 2020); Published functional studies suggest a damaging effect: unable to rescue DNA damage repair in BRIP1-null cells (Moyer 2020); Not observed at a significant frequency in large population cohorts (Lek 2016); In silico analysis supports that this missense variant has a deleterious effect on protein structure/function; This variant is associated with the following publications: (PMID: 25344691, 31822495)

Literature cited by the submitters: PubMed 31822495 (cited by 5 submitters); PubMed 34585473 (cited by 3 submitters); PubMed 33471991 (cited by Color Diagnostics, LLC DBA Color Health and Quest Diagnostics Nichols Institute San Juan Capistrano).

NM_032043.3(BRIP1):c.2329C>T (p.Arg777Cys)

Gene: BRIP1 (BRCA1 interacting DNA helicase 1; minus strand). Cytogenetic location: 17q23.2.
Variant type: single nucleotide variant.
Coding change: c.2329C>T on transcript NM_032043.3 (MANE Select); coding-DNA position 2329, C replaced by T.
Protein change: p.Arg777Cys; replaces arginine 777 with cysteine.
Molecular consequence: missense variant.
Genome position (GRCh38, 1-based): chr17:61,743,063, G>A on the plus strand (C>T on the coding strand, the complement: BRIP1 is on the minus strand). VCF-style: chr17-61743063-G-A. GRCh37 (hg19) VCF-style: chr17-59820424-G-A.
Other names: short protein forms R777C.
Identifiers: ClinVar variation 185165 (VCV000185165.35), dbSNP rs768555161, ClinGen allele CA191205.
Genomic context (GRCh38, chr17:61,743,063, plus strand): 5'-GATGGCCTACCTGTAGATCTTTCACATTTGGAAAAGGAATTCCTATTGTTATGACAGCAC[G>A]GGCATTGTCATCTGAGAAATCCAGACCCTCACTCACTTTACCACGACAAACTGCTACCAG-3'
Protein context (NP_114432.2, residues 767-787): EGLDFSDDNA[Arg777Cys]AVITIGIPFP